The following is an entry in ClinVar:

ClinVar aggregate classification (germline): Uncertain significance (1 of 4 stars; one submission).

Allele frequency attached by ClinVar (database versions not stated): gnomAD exomes below 0.00001.

Submission:

Labcorp Genetics (formerly Invitae), Labcorp
Classification: Uncertain significance. Last evaluated: 2024-02-05. Review status: criteria provided, single submitter. Criteria: Invitae Variant Classification Sherloc (09022015). Collection method: clinical testing. Allele origin: germline.
Comment: This sequence change replaces threonine, which is neutral and polar, with serine, which is neutral and polar, at codon 681 of the TONSL protein (p.Thr681Ser). This variant is not present in population databases (gnomAD no frequency). This variant has not been reported in the literature in individuals affected with TONSL-related conditions. ClinVar contains an entry for this variant (Variation ID: 2052201). Advanced modeling of protein sequence and biophysical properties (such as structural, functional, and spatial information, amino acid conservation, physicochemical variation, residue mobility, and thermodynamic stability) performed at Invitae indicates that this missense variant is not expected to disrupt TONSL protein function with a negative predictive value of 80%. In summary, the available evidence is currently insufficient to determine the role of this variant in disease. Therefore, it has been classified as a Variant of Uncertain Significance.

NM_013432.5(TONSL):c.2041A>T (p.Thr681Ser)

Genes: TONSL (tonsoku like, DNA repair protein; minus strand), TONSL-AS1 (TONSL antisense RNA 1; plus strand). Cytogenetic location: 8q24.3.
Variant type: single nucleotide variant.
Coding change: c.2041A>T on transcript NM_013432.5 (MANE Select); coding-DNA position 2041, A replaced by T.
Protein change: p.Thr681Ser; replaces threonine 681 with serine.
Molecular consequence: missense variant.
Genome position (GRCh38, 1-based): chr8:144,436,392, T>A on the plus strand (A>T on the coding strand, the complement: TONSL is on the minus strand). VCF-style: chr8-144436392-T-A. GRCh37 (hg19) VCF-style: chr8-145661775-T-A.
Other names: short protein forms T681S.
Identifiers: ClinVar variation 2052201 (VCV002052201.3), dbSNP rs966971104, ClinGen allele CA187667940.